The following is an entry in ClinVar:

ClinVar aggregate classification (germline): Likely benign. Review status: criteria provided, multiple submitters, no conflicts (2 of 4 stars). 3 submissions from 3 submitters: Likely benign (3). Last evaluated 2025-10-23.

Conditions:
TTN-related disorder. Also called: TTN-related disorders; TTN-related condition; TTN-related disease.
Autosomal recessive limb-girdle muscular dystrophy type 2J (LGMDR10). Also called: Limb-girdle muscular dystrophy, type 2J; MUSCULAR DYSTROPHY, LIMB-GIRDLE, AUTOSOMAL RECESSIVE 10. Identifiers: Orphanet 140922, MedGen C1837342, MONDO:0012127, OMIM 608807.
Dilated cardiomyopathy 1G (CMD1G). Identifiers: Orphanet 154, MedGen C1858763, MONDO:0011400, OMIM 604145.

Allele frequency attached by ClinVar (database versions not stated): ExAC 0.00001; gnomAD 0.00001; gnomAD exomes 0.00002 and 0.00003; TOPMed 0.00002.
gnomAD v4.1: 43 of 1,613,102 alleles (0.0027%); highest among the groups gnomAD compares: Admixed American, 0.0067%; no homozygotes.

Submissions (3):

Labcorp Genetics (formerly Invitae), Labcorp
Classification: Likely benign for Dilated cardiomyopathy 1G; Autosomal recessive limb-girdle muscular dystrophy type 2J. Last evaluated: 2025-10-23. Review status: criteria provided, single submitter. Criteria: Invitae Variant Classification Sherloc (09022015). Collection method: clinical testing. Allele origin: germline.

PreventionGenetics, part of Exact Sciences
Classification: Likely benign for TTN-related condition. Last evaluated: 2025-10-10. Review status: criteria provided, single submitter. Criteria: ACMG Guidelines, 2015. Collection method: clinical testing. Allele origin: germline.
Comment: This variant is classified as likely benign based on ACMG/AMP sequence variant interpretation guidelines (Richards et al. 2015 PMID: 25741868, with internal and published modifications).

GeneDx
Classification: Likely benign. Last evaluated: 2016-08-16. Review status: criteria provided, single submitter. Criteria: GeneDx Variant Classification (06012015). Collection method: clinical testing. Allele origin: germline. Affected: yes.
Comment: This variant is considered likely benign or benign based on one or more of the following criteria: it is a conservative change, it occurs at a poorly conserved position in the protein, it is predicted to be benign by multiple in silico algorithms, and/or has population frequency not consistent with disease.

NM_001267550.2(TTN):c.27627G>A (p.Lys9209=)

Gene: TTN (titin; minus strand). Cytogenetic location: 2q31.2.
Variant type: single nucleotide variant.
Coding change: c.27627G>A on transcript NM_001267550.2 (MANE Select); coding-DNA position 27627, G replaced by A.
Protein change: p.Lys9209=; no amino-acid change (lysine 9209 retained).
Molecular consequence: synonymous variant. On other transcripts: intron variant (3).
Genome position (GRCh38, 1-based): chr2:178,712,203, C>T on the plus strand (G>A on the coding strand, the complement: TTN is on the minus strand). VCF-style: chr2-178712203-C-T. GRCh37 (hg19) VCF-style: chr2-179576930-C-T.
Other names: c.26676G>A, p.Lys8892= (NM_001256850.1); c.23895G>A, p.Lys7965= (NM_133378.4); c.13282+25879G>A (NM_003319.4); c.13858+25879G>A (NM_133437.4); c.13657+25879G>A (NM_133432.3).
Identifiers: ClinVar variation 388719 (VCV000388719.11), dbSNP rs772596751, ClinGen allele CA1999757.